The following is an entry in ClinVar:

ClinVar aggregate classification (germline): Uncertain significance (1 of 4 stars; one submission).

Allele frequency attached by ClinVar (database versions not stated): gnomAD exomes below 0.00001; TOPMed below 0.00001.
gnomAD v4.1: 1 of 1,614,184 alleles (0.000062%); highest among the groups gnomAD compares: Non-Finnish European, 0.000085%; no homozygotes.

Submission:

Labcorp Genetics (formerly Invitae), Labcorp
Classification: Uncertain significance. Last evaluated: 2023-04-24. Review status: criteria provided, single submitter. Criteria: Invitae Variant Classification Sherloc (09022015). Collection method: clinical testing. Allele origin: germline.
Comment: Advanced modeling of protein sequence and biophysical properties (such as structural, functional, and spatial information, amino acid conservation, physicochemical variation, residue mobility, and thermodynamic stability) performed at Invitae indicates that this missense variant is expected to disrupt KANK1 protein function. In summary, the available evidence is currently insufficient to determine the role of this variant in disease. Therefore, it has been classified as a Variant of Uncertain Significance. This variant has not been reported in the literature in individuals affected with KANK1-related conditions. This variant is not present in population databases (gnomAD no frequency). This sequence change replaces alanine, which is neutral and non-polar, with valine, which is neutral and non-polar, at codon 402 of the KANK1 protein (p.Ala402Val).

NM_015158.5(KANK1):c.1205C>T (p.Ala402Val)

Gene: KANK1 (KN motif and ankyrin repeat domains 1; plus strand). Cytogenetic location: 9p24.3.
Variant type: single nucleotide variant.
Coding change: c.1205C>T on transcript NM_015158.5 (MANE Select); coding-DNA position 1205, C replaced by T.
Protein change: p.Ala402Val; replaces alanine 402 with valine.
Molecular consequence: missense variant. On other transcripts: non-coding transcript variant (1).
Genome position (GRCh38, 1-based): chr9:711,971, C>T. VCF-style: chr9-711971-C-T. GRCh37 (hg19) VCF-style: chr9-711971-C-T.
Other names: c.1205C>T, p.Ala402Val (NM_001256876.3, NM_001256877.3, NM_001354331.2 and 2 more transcripts); c.731C>T, p.Ala244Val (NM_001354333.2, NM_001354335.2, NM_001354336.2 and 9 more transcripts); short protein forms A402V, A244V.
Identifiers: ClinVar variation 2815760 (VCV002815760.3), dbSNP rs1442108067, ClinGen allele CA372747732.